The following is an entry in ClinVar:

ClinVar aggregate classification (germline): Uncertain significance (3 of 4 stars; one submission).

Conditions:
Bernard Soulier syndrome (BSS). Also called: GLYCOPROTEIN Ib, PLATELET, DEFICIENCY OF; PLATELET GLYCOPROTEIN Ib DEFICIENCY; VON WILLEBRAND FACTOR RECEPTOR DEFICIENCY; Giant platelet syndrome; Hemorrhagiparous thrombocytic dystrophy; Giant platelet disease. Identifiers: Orphanet 274, MedGen C0005129, MeSH D001606, MONDO:0009276, OMIM 231200.

Submission:

ClinGen Platelet Disorders Variant Curation Expert Panel, ClinGen
Classification: Uncertain significance for Bernard Soulier syndrome. Last evaluated: 2025-03-06. Review status: reviewed by expert panel. Criteria: ClinGen Platelet ACMG Specifications GP1BB V1.0.0. Collection method: curation. Allele origin: germline. Inheritance: Autosomal recessive inheritance.
Comment: The c.10+33_10+39delinsGAGTCCGGTCG variant is an intronic variant that is not predicted by SpliceAI to impact splicing (delta scores 0.00-0.02) and conservation PhyloP scores range from -1.6 to 1.8, indicating parts of the deletion may be highly conserved. This variant is absent from gnomAD v4.1 (PM2_Supporting). This variant was not found in any BSS patients in ClinVar or published literature but has been observed heterozygous in two patients for which BSS was not indicated. In summary, this variant meets the criteria to be classified as Uncertain significance - insufficient evidence for autosomal recessive Bernard-Soulier syndrome based on the ACMG/AMP criteria applied, as specified by the ClinGen PD VCEP: PM2_Supporting (VCEP specifications version 1).

NM_000407.5(GP1BB):c.10+33_10+39delinsGAGTCCGGTCG

Genes: GP1BB (glycoprotein Ib platelet subunit beta; plus strand), SEPT5-GP1BB (SEPT5-GP1BB readthrough; plus strand). Cytogenetic location: 22q11.21.
Variant type: Indel.
Coding change: c.10+33_10+39delinsGAGTCCGGTCG on transcript NM_000407.5 (MANE Select); bases 33 to 39 of the intron after coding-DNA position 10, CTCCCTA replaced by GAGTCCGGTCG.
Molecular consequence: intron variant.
Genome position (GRCh38, 1-based): chr22:19,723,612-19,723,618, CTCCCTA replaced by GAGTCCGGTCG. VCF-style: chr22-19723612-CTCCCTA-GAGTCCGGTCG. GRCh37 (hg19) VCF-style: chr22-19711135-CTCCCTA-GAGTCCGGTCG.
Other names: NM_000407.5:c.10+33_10+39delinsGAGTCCGGTCG.
Identifiers: ClinVar variation 3775057 (VCV003775057.1).